The following is an entry in ClinVar:

ClinVar aggregate classification (germline): Uncertain significance. Review status: criteria provided, multiple submitters, no conflicts (2 of 4 stars). 3 submissions from 3 submitters: Uncertain significance (3). Last evaluated 2024-07-14.

Allele frequency attached by ClinVar (database versions not stated): gnomAD exomes 0.00001; ExAC 0.00002; gnomAD 0.00003 and 0.00004; ESP Exome Variant Server 0.00008; TOPMed 0.00008.
gnomAD v4.1: 23 of 1,614,028 alleles (0.0014%); highest among the groups gnomAD compares: African/African-American, 0.025%; no homozygotes.

Submissions (3):

Ambry Genetics
Classification: Uncertain significance. Last evaluated: 2024-07-14. Review status: criteria provided, single submitter. Criteria: Ambry Variant Classification Scheme 2023. Collection method: clinical testing. Allele origin: germline.

Labcorp Genetics (formerly Invitae), Labcorp
Classification: Uncertain significance. Last evaluated: 2024-03-01. Review status: criteria provided, single submitter. Criteria: Invitae Variant Classification Sherloc (09022015). Collection method: clinical testing. Allele origin: germline.
Comment: This sequence change replaces serine, which is neutral and polar, with tyrosine, which is neutral and polar, at codon 488 of the SLC7A14 protein (p.Ser488Tyr). This variant is present in population databases (rs374181960, gnomAD 0.02%). This variant has not been reported in the literature in individuals affected with SLC7A14-related conditions. ClinVar contains an entry for this variant (Variation ID: 1476691). An algorithm developed to predict the effect of missense changes on protein structure and function (PolyPhen-2) suggests that this variant is likely to be disruptive. In summary, the available evidence is currently insufficient to determine the role of this variant in disease. Therefore, it has been classified as a Variant of Uncertain Significance.

Blueprint Genetics
Classification: Uncertain significance. Last evaluated: 2020-09-07. Review status: criteria provided, single submitter. Criteria: ACMG Guidelines, 2015. Collection method: clinical testing. Allele origin: germline.

NM_020949.3(SLC7A14):c.1463C>A (p.Ser488Tyr)

Genes: SLC7A14 (solute carrier family 7 member 14; minus strand), SLC7A14-AS1 (SLC7A14 antisense RNA 1; plus strand). Cytogenetic location: 3q26.2.
Variant type: single nucleotide variant.
Coding change: c.1463C>A on transcript NM_020949.3 (MANE Select); coding-DNA position 1463, C replaced by A.
Protein change: p.Ser488Tyr; replaces serine 488 with tyrosine.
Molecular consequence: missense variant.
Genome position (GRCh38, 1-based): chr3:170,480,819, G>T on the plus strand (C>A on the coding strand, the complement: SLC7A14 is on the minus strand). VCF-style: chr3-170480819-G-T. GRCh37 (hg19) VCF-style: chr3-170198608-G-T.
Other names: c.1463C>A (NM_020949.2); short protein forms S488Y.
Identifiers: ClinVar variation 1476691 (VCV001476691.10), dbSNP rs374181960, ClinGen allele CA2701625.
Genomic context (GRCh38, chr3:170,480,819, plus strand): 5'-TGGTTGACGTTGTAGGTTGACTTGTCTGATTTCCCTATGAGCATCTCATTGTCTCCCAAG[G>T]ATGGTAAGTTCTTGGCCCCACATGTGTTGGTGGCTGGGCCAGAAAACTCATCCCCCTCAC-3'
Protein context (NP_066000.2, residues 478-498): TNTCGAKNLP[Ser488Tyr]LGDNEMLIGK